The following is an entry in ClinVar:

ClinVar aggregate classification (germline): Uncertain significance (1 of 4 stars; one submission).

Conditions:
Charcot-Marie-Tooth disease type 4. Also called: Charcot-Marie-Tooth disease, type IV; Charcot-Marie-Tooth, Type 4. Identifiers: Orphanet 64749, MedGen C4082197, MONDO:0018995.

Allele frequency attached by ClinVar (database versions not stated): gnomAD exomes below 0.00001.
gnomAD v4.1: 2 of 1,606,416 alleles (0.00012%); highest among the groups gnomAD compares: Non-Finnish European, 0.00017%; no homozygotes.

Submission:

Labcorp Genetics (formerly Invitae), Labcorp
Classification: Uncertain significance for Charcot-Marie-Tooth disease type 4. Last evaluated: 2022-03-01. Review status: criteria provided, single submitter. Criteria: Invitae Variant Classification Sherloc (09022015). Collection method: clinical testing. Allele origin: germline.
Comment: In summary, the available evidence is currently insufficient to determine the role of this variant in disease. Therefore, it has been classified as a Variant of Uncertain Significance. Algorithms developed to predict the effect of missense changes on protein structure and function are either unavailable or do not agree on the potential impact of this missense change (SIFT: "Tolerated"; PolyPhen-2: "Possibly Damaging"; Align-GVGD: "Class C0"). This variant has not been reported in the literature in individuals affected with SBF2-related conditions. This variant is not present in population databases (gnomAD no frequency). This sequence change replaces isoleucine, which is neutral and non-polar, with valine, which is neutral and non-polar, at codon 274 of the SBF2 protein (p.Ile274Val).

NM_030962.4(SBF2):c.820A>G (p.Ile274Val)

Gene: SBF2 (SET binding factor 2; minus strand). Cytogenetic location: 11p15.4.
Variant type: single nucleotide variant.
Coding change: c.820A>G on transcript NM_030962.4 (MANE Select); coding-DNA position 820, A replaced by G.
Protein change: p.Ile274Val; replaces isoleucine 274 with valine.
Molecular consequence: missense variant.
Genome position (GRCh38, 1-based): chr11:10,000,955, T>C on the plus strand (A>G on the coding strand, the complement: SBF2 is on the minus strand). VCF-style: chr11-10000955-T-C. GRCh37 (hg19) VCF-style: chr11-10022502-T-C.
Other names: c.820A>G, p.Ile274Val (NM_001386339.1, NM_001386342.1); short protein forms I274V.
Identifiers: ClinVar variation 2197486 (VCV002197486.4), dbSNP rs1947929006, ClinGen allele CA379641477.